The following is an entry in ClinVar:

ClinVar aggregate classification (germline): Pathogenic/Likely pathogenic. Review status: criteria provided, multiple submitters, no conflicts (2 of 4 stars). 3 submissions from 2 submitters: Pathogenic (1); Likely pathogenic (2). Last evaluated 2025-06-05.

Conditions:
Klippel-Feil anomaly-myopathy-facial dysmorphism syndrome. Also called: Klippel-feil syndrome 4, autosomal recessive, with nemaline myopathy and facial dysmorphism; Klippel-Feil syndrome 4, autosomal recessive, with myopathy and facial dysmorphism. Identifiers: Orphanet 447974, MedGen C4225285, MONDO:0014689, OMIM 616549.
Klippel-Feil syndrome. Also called: Cervical vertebral fusion autosomal recessive; Klippel Feil syndrome autosomal dominant; Cervical vertebral fusion autosomal dominant; Cervical C2/C3 vertebral fusion; Isolated Klippel-Feil syndrome. Identifiers: Orphanet 2345, MedGen C0022738, MONDO:0001029, HP:0004602.

Submissions (3):

Labcorp Genetics (formerly Invitae), Labcorp
Classification: Pathogenic. Last evaluated: 2025-06-05. Review status: criteria provided, single submitter. Criteria: Invitae Variant Classification Sherloc (09022015). Collection method: clinical testing. Allele origin: germline.
Comment: This sequence change creates a premature translational stop signal (p.Glu1680Glyfs*20) in the MYO18B gene. It is expected to result in an absent or disrupted protein product. Loss-of-function variants in MYO18B are known to be pathogenic (PMID: 25748484, 32184166, 32637634). This variant is not present in population databases (gnomAD no frequency). This variant has not been reported in the literature in individuals affected with MYO18B-related conditions. ClinVar contains an entry for this variant (Variation ID: 634522). For these reasons, this variant has been classified as Pathogenic.

Genomic Research Center, Shahid Beheshti University of Medical Sciences
Classification: Likely pathogenic for Klippel-feil syndrome 4, autosomal recessive, with nemaline myopathy and facial dysmorphism. Last evaluated: 2019-01-01. Review status: criteria provided, single submitter. Criteria: ACMG Guidelines, 2015. Collection method: clinical testing. Allele origin: unknown. Affected: no. Observed: 1 variant allele.

Genomic Research Center, Shahid Beheshti University of Medical Sciences
Classification: Likely pathogenic for Klippel Feil syndrome. Last evaluated: 2019-01-01. Review status: criteria provided, single submitter. Criteria: ACMG Guidelines, 2015. Collection method: clinical testing. Allele origin: unknown. Affected: no. Observed: 1 variant allele.

Literature cited by the submitters: PubMed 25748484 (cited by Labcorp Genetics (formerly Invitae), Labcorp); PubMed 32184166 (cited by Labcorp Genetics (formerly Invitae), Labcorp); PubMed 32637634 (cited by Labcorp Genetics (formerly Invitae), Labcorp).

NM_032608.7(MYO18B):c.5038dup (p.Glu1680fs)

Gene: MYO18B (myosin XVIIIB; plus strand). Cytogenetic location: 22q12.1.
Variant type: Duplication.
Coding change: c.5038dup on transcript NM_032608.7 (MANE Select); coding-DNA position 5038, one base duplicated (G; older notation c.5038dupG).
Protein change: p.Glu1680fs; shifts the reading frame from glutamic acid 1680.
Molecular consequence: frameshift variant.
Genome position (GRCh38, 1-based): chr22:25,903,721, G duplicated; the last of 5 consecutive G bases (chr22:25,903,717-25,903,721); duplicating any one gives the same sequence. VCF-style (leftmost placement, unchanged base first): chr22-25903716-T-TG. GRCh37 (hg19) VCF-style: chr22-26299683-T-TG.
Other names: c.5041dup, p.Glu1681fs (NM_001318245.2); short protein forms E1681fs, E1680fs.
Identifiers: ClinVar variation 634522 (VCV000634522.5), dbSNP rs1569172839, ClinGen allele CA913190836.
Genomic context (GRCh38, chr22:25,903,716, plus strand): 5'-TGAAGCAGCAGGTGGAGATGCTACAGGACCATAAACGGGAGCTGCTGGGGTCACCCTCTC[T>TG]GGGGGAAAATTGCGTTGCTGGCTTGAAGGAGAGGCTCTGGAAGTTGGAATCCAGCGCCCT-3'